The following is an entry in ClinVar:

NM_001164665.2(KIAA1549):c.2702T>C (p.Met901Thr)

Gene: KIAA1549 (KIAA1549; minus strand). Cytogenetic location: 7q34.
Variant type: single nucleotide variant.
Coding change: c.2702T>C on transcript NM_001164665.2 (MANE Select); coding-DNA position 2702, T replaced by C.
Protein change: p.Met901Thr; replaces methionine 901 with threonine.
Molecular consequence: missense variant.
Genome position (GRCh38, 1-based): chr7:138,916,924, A>G on the plus strand (T>C on the coding strand, the complement: KIAA1549 is on the minus strand). VCF-style: chr7-138916924-A-G. GRCh37 (hg19) VCF-style: chr7-138601670-A-G.
Other names: c.2702T>C, p.Met901Thr (NM_020910.3); short protein forms M901T.
Identifiers: ClinVar variation 1522277 (VCV001522277.8), dbSNP rs186506715, ClinGen allele CA4506444.

ClinVar aggregate classification (germline): Uncertain significance (1 of 4 stars; one submission).

Allele frequency attached by ClinVar (database versions not stated): gnomAD exomes below 0.00001; ExAC 0.00001; TOPMed 0.00003; gnomAD 0.00004; 1000 Genomes Project 0.00020; 1000 Genomes Project 30x 0.00031.
gnomAD v4.1: 8 of 1,612,600 alleles (0.0005%); highest among the groups gnomAD compares: African/African-American, 0.0093%; no homozygotes.

Submission:

Labcorp Genetics (formerly Invitae), Labcorp
Classification: Uncertain significance. Last evaluated: 2021-07-16. Review status: criteria provided, single submitter. Criteria: Invitae Variant Classification Sherloc (09022015). Collection method: clinical testing. Allele origin: germline.
Comment: In summary, the available evidence is currently insufficient to determine the role of this variant in disease. Therefore, it has been classified as a Variant of Uncertain Significance. Algorithms developed to predict the effect of missense changes on protein structure and function (SIFT, PolyPhen-2, Align-GVGD) all suggest that this variant is likely to be tolerated. This variant has not been reported in the literature in individuals affected with KIAA1549-related conditions. This variant is present in population databases (rs186506715, ExAC 0.009%). This sequence change replaces methionine with threonine at codon 901 of the KIAA1549 protein (p.Met901Thr). The methionine residue is weakly conserved and there is a moderate physicochemical difference between methionine and threonine.